The following is an entry in ClinVar:

ClinVar aggregate classification (germline): Likely benign. Review status: criteria provided, multiple submitters, no conflicts (2 of 4 stars). 2 submissions from 2 submitters: Likely benign (2). Last evaluated 2022-11-23.

Allele frequency attached by ClinVar (database versions not stated): TOPMed below 0.00001; gnomAD 0.00001; gnomAD exomes 0.00001 and 0.00002; ExAC 0.00002.
gnomAD v4.1: 31 of 1,614,028 alleles (0.0019%); highest among the groups gnomAD compares: Non-Finnish European, 0.0025%; no homozygotes.

Submissions (2):

Labcorp Genetics (formerly Invitae), Labcorp
Classification: Likely benign. Last evaluated: 2022-11-23. Review status: criteria provided, single submitter. Criteria: Invitae Variant Classification Sherloc (09022015). Collection method: clinical testing. Allele origin: germline.

GeneDx
Classification: Likely benign. Last evaluated: 2017-05-02. Review status: criteria provided, single submitter. Criteria: GeneDx Variant Classification (06012015). Collection method: clinical testing. Allele origin: germline. Affected: yes.
Comment: This variant is considered likely benign or benign based on one or more of the following criteria: it is a conservative change, it occurs at a poorly conserved position in the protein, it is predicted to be benign by multiple in silico algorithms, and/or has population frequency not consistent with disease.

NM_001195248.2(APTX):c.429C>T (p.Asn143=)

Gene: APTX (aprataxin; minus strand). Cytogenetic location: 9p21.1.
Variant type: single nucleotide variant.
Coding change: c.429C>T on transcript NM_001195248.2 (MANE Select); coding-DNA position 429, C replaced by T.
Protein change: p.Asn143=; no amino-acid change (asparagine 143 retained).
Molecular consequence: synonymous variant. On other transcripts: non-coding transcript variant (13), intron variant (1).
Genome position (GRCh38, 1-based): chr9:32,987,598, G>A on the plus strand (C>T on the coding strand, the complement: APTX is on the minus strand). VCF-style: chr9-32987598-G-A. GRCh37 (hg19) VCF-style: chr9-32987596-G-A.
Other names: c.429C>T, p.Asn143= (NM_001195249.2, NM_001195251.2, NM_001368995.1 and 6 more transcripts); c.267C>T, p.Asn89= (NM_001195250.2, NM_001195254.2, NM_001369000.1 and 1 more transcripts); c.165C>T, p.Asn55= (NM_001369002.1, NM_001369003.1, NM_001369004.1 and 5 more transcripts); c.267+162C>T (NM_001195252.2).
Identifiers: ClinVar variation 509191 (VCV000509191.4), dbSNP rs767653926, ClinGen allele CA5022522.